The following is an entry in ClinVar:

ClinVar aggregate classification (germline): Uncertain significance (1 of 4 stars; one submission).

Submission:

Women's Health and Genetics/Laboratory Corporation of America, LabCorp
Classification: Uncertain significance. Last evaluated: 2024-12-27. Review status: criteria provided, single submitter. Criteria: LabCorp Variant Classification Summary - May 2015. Collection method: clinical testing. Allele origin: germline.
Comment: Variant summary: CNOT3 c.2258_*13del18 (p.Gln753_X754delext4) results in an in-frame deletion of 18 nucleotides within the last exon (exon 18) in the region encompassing the stop codon, resulting in a protein extension. The frequency data for this variant in gnomAD is considered unreliable, as metrics indicate poor data quality at this position. To our knowledge, no occurrence of c.2258_*13del18 in individuals affected with Intellectual Developmental Disorder With Speech Delay, Autism, And Dysmorphic Facies and no experimental evidence demonstrating its impact on protein function have been reported. No submitters have cited clinical-significance assessments for this variant to ClinVar. Based on the evidence outlined above, the variant was classified as uncertain significance.

NM_014516.4(CNOT3):c.2258_*13del (p.Gln753_Ter754delinsXaa)

Genes: CNOT3 (CCR4-NOT transcription complex subunit 3; plus strand), LENG1 (leukocyte receptor cluster member 1; minus strand). Cytogenetic location: 19q13.42.
Variant type: Deletion.
Coding change: c.2258_*13del on transcript NM_014516.4 (MANE Select); coding-DNA position 2258 through 13 bases downstream of the stop codon, 18 bases deleted (AGTGACACCGGCCCCTCC).
Protein change: p.Gln753_Ter754delinsXaa.
Molecular consequence: stop lost. On other transcripts: 3 prime UTR variant (1).
Genome position (GRCh38, 1-based): chr19:54,155,403-54,155,420, AGTGACACCGGCCCCTCC deleted; deleting any 18 consecutive bases within chr19:54,155,398-54,155,420 gives the same sequence; the c. name uses the placement nearest the transcript's 3' end. VCF-style (leftmost placement, unchanged base first): chr19-54155397-ACCTCCAGTGACACCGGCC-A. GRCh37 (hg19) VCF-style: chr19-54659135-ACCTCCAGTGACACCGGCC-A.
Other names: c.*306_*323del (NM_024316.3); c.2258_*13del18 (NM_014516.4).
Identifiers: ClinVar variation 3768096 (VCV003768096.1).